The following is an entry in ClinVar:

NM_001099271.2(POC5):c.845A>G (p.Lys282Arg)

Gene: POC5 (POC5 centriolar protein; minus strand). Cytogenetic location: 5q13.3.
Variant type: single nucleotide variant.
Coding change: c.845A>G on transcript NM_001099271.2 (MANE Select); coding-DNA position 845, A replaced by G.
Protein change: p.Lys282Arg; replaces lysine 282 with arginine.
Molecular consequence: missense variant.
Genome position (GRCh38, 1-based): chr5:75,690,513, T>C on the plus strand (A>G on the coding strand, the complement: POC5 is on the minus strand). VCF-style: chr5-75690513-T-C. GRCh37 (hg19) VCF-style: chr5-74986338-T-C.
Other names: c.770A>G, p.Lys257Arg (NM_152408.3); short protein forms K257R, K282R.
Identifiers: ClinVar variation 4692933 (VCV004692933.1).
Genomic context (GRCh38, chr5:75,690,513, plus strand): 5'-CTTTCTACCACATCTTTCCACTGCTTTTGCACTACGGAACGCCAGACTTTCCAGACTTTC[T>C]TCAGTAAAGTTCTCTGGTAGTACTGGTCAGCTAGTTTACCTTCATAAACCTAAATAAAAG-3'
Protein context (NP_001092741.1, residues 272-292): ADQYYQRTLL[Lys282Arg]KVWKVWRSVV

ClinVar aggregate classification (germline): Uncertain significance (1 of 4 stars; one submission).

Submission:

Labcorp Genetics (formerly Invitae), Labcorp
Classification: Uncertain significance. Last evaluated: 2025-06-08. Review status: criteria provided, single submitter. Criteria: Invitae Variant Classification Sherloc (09022015). Collection method: clinical testing. Allele origin: germline.
Comment: This sequence change replaces lysine, which is basic and polar, with arginine, which is basic and polar, at codon 282 of the POC5 protein (p.Lys282Arg). This variant is not present in population databases (gnomAD no frequency). This variant has not been reported in the literature in individuals affected with POC5-related conditions. An algorithm developed to predict the effect of missense changes on protein structure and function (PolyPhen-2) suggests that this variant is likely to be disruptive. In summary, the available evidence is currently insufficient to determine the role of this variant in disease. Therefore, it has been classified as a Variant of Uncertain Significance.